The following is an entry in ClinVar:

ClinVar aggregate classification (germline): Uncertain significance. Review status: criteria provided, multiple submitters, no conflicts (2 of 4 stars). 2 submissions from 2 submitters: Uncertain significance (2). Last evaluated 2026-04-14.

Conditions:
Inborn genetic diseases. Identifiers: MedGen C0950123, MeSH D030342.

Submissions (2):

GeneDx
Classification: Uncertain significance. Last evaluated: 2026-04-14. Review status: criteria provided, single submitter. Criteria: GeneDx Variant Classification Process June 2021. Collection method: clinical testing. Allele origin: germline.
Comment: Not observed at significant frequency in large population cohorts (gnomAD); In silico analysis supports that this missense variant has a deleterious effect on protein structure/function; Has not been previously published as pathogenic or benign to our knowledge

Ambry Genetics
Classification: Uncertain significance for Inborn genetic diseases. Last evaluated: 2024-11-10. Review status: criteria provided, single submitter. Criteria: Ambry Variant Classification Scheme 2023. Collection method: clinical testing. Allele origin: germline.

NM_001395002.1(MAP4K4):c.2273C>T (p.Ser758Phe)

Gene: MAP4K4 (mitogen-activated protein kinase kinase kinase kinase 4; plus strand). Cytogenetic location: 2q11.2.
Variant type: single nucleotide variant.
Coding change: c.2273C>T on transcript NM_001395002.1 (MANE Select); coding-DNA position 2273, C replaced by T.
Protein change: p.Ser758Phe; replaces serine 758 with phenylalanine.
Molecular consequence: missense variant. On other transcripts: non-coding transcript variant (4).
Genome position (GRCh38, 1-based): chr2:101,866,496, C>T. VCF-style: chr2-101866496-C-T. GRCh37 (hg19) VCF-style: chr2-102482958-C-T.
Other names: c.2018C>T, p.Ser673Phe (NM_001384487.1, NM_001242560.2); c.2039C>T, p.Ser680Phe (NM_001384488.1, NM_001242559.2); c.1880C>T, p.Ser627Phe (NM_001384490.1, NM_001384496.1); c.2015C>T, p.Ser672Phe (NM_001384491.1, NM_001384509.1, NM_001384579.1); c.2177C>T, p.Ser726Phe (NM_001384492.1); c.2111C>T, p.Ser704Phe (NM_001384493.1, NM_001384484.1, NM_001384485.1); c.1877C>T, p.Ser626Phe (NM_001384494.1, NM_001384483.1); c.1787C>T, p.Ser596Phe (NM_001384495.1, NM_001384478.1, NM_001384482.1); and 19 more; short protein forms S641F, S666F, S675F, S680F, S693F, S695F, S704F, S595F.
Identifiers: ClinVar variation 3543009 (VCV003543009.3).